The following is an entry in ClinVar:

ClinVar aggregate classification (germline): Uncertain significance. Review status: criteria provided, multiple submitters, no conflicts (2 of 4 stars). 2 submissions from 2 submitters: Uncertain significance (2). Last evaluated 2024-03-26.

Conditions:
Inborn genetic diseases. Identifiers: MedGen C0950123, MeSH D030342.
Kabuki syndrome. Also called: Kabuki make-up syndrome; NIIKAWA-KUROKI SYNDROME. Identifiers: Orphanet 2322, MedGen C0796004, MONDO:0016512.

Allele frequency attached by ClinVar (database versions not stated): gnomAD exomes below 0.00001.
gnomAD v4.1: 1 of 1,582,572 alleles (0.000063%); highest among the groups gnomAD compares: South Asian, 0.0012%; no homozygotes.

Submissions (2):

Ambry Genetics
Classification: Uncertain significance for Inborn genetic diseases. Last evaluated: 2024-03-26. Review status: criteria provided, single submitter. Criteria: Ambry Variant Classification Scheme 2023. Collection method: clinical testing. Allele origin: germline.

Labcorp Genetics (formerly Invitae), Labcorp
Classification: Uncertain significance for Kabuki syndrome. Last evaluated: 2021-05-03. Review status: criteria provided, single submitter. Criteria: Invitae Variant Classification Sherloc (09022015). Collection method: clinical testing. Allele origin: germline.
Comment: In summary, the available evidence is currently insufficient to determine the role of this variant in disease. Therefore, it has been classified as a Variant of Uncertain Significance. Advanced modeling of protein sequence and biophysical properties (such as structural, functional, and spatial information, amino acid conservation, physicochemical variation, residue mobility, and thermodynamic stability) performed at Invitae indicates that this missense variant is not expected to disrupt KMT2D protein function. This variant has not been reported in the literature in individuals with KMT2D-related conditions. This variant is not present in population databases (ExAC no frequency). This sequence change replaces alanine with valine at codon 3805 of the KMT2D protein (p.Ala3805Val). The alanine residue is weakly conserved and there is a small physicochemical difference between alanine and valine.

NM_003482.4(KMT2D):c.11414C>T (p.Ala3805Val)

Gene: KMT2D (lysine methyltransferase 2D; minus strand). Cytogenetic location: 12q13.12.
Variant type: single nucleotide variant.
Coding change: c.11414C>T on transcript NM_003482.4 (MANE Select); coding-DNA position 11414, C replaced by T.
Protein change: p.Ala3805Val; replaces alanine 3805 with valine.
Molecular consequence: missense variant.
Genome position (GRCh38, 1-based): chr12:49,033,291, G>A on the plus strand (C>T on the coding strand, the complement: KMT2D is on the minus strand). VCF-style: chr12-49033291-G-A. GRCh37 (hg19) VCF-style: chr12-49427074-G-A.
Other names: c.11414C>T (NM_003482.3); short protein forms A3805V.
Identifiers: ClinVar variation 1493003 (VCV001493003.9), dbSNP rs867414725, ClinGen allele CA384718962.